The following is an entry in ClinVar:

ClinVar aggregate classification (germline): Conflicting classifications of pathogenicity. Review status: criteria provided, conflicting classifications (1 of 4 stars). 13 submissions from 12 submitters: Uncertain significance (5); Likely benign (6). 2 of the submissions do not count toward it. Last evaluated 2026-09-01.

Conditions:
Mitochondrial complex I deficiency, nuclear type 1. Also called: NADH-COENZYME Q REDUCTASE DEFICIENCY; MITOCHONDRIAL NADH DEHYDROGENASE COMPONENT OF COMPLEX I, DEFICIENCY OF. Identifiers: MedGen C6022305, MONDO:0100224, OMIM 252010.
Mitochondrial complex I deficiency, nuclear type 2. Also called: Mitochondrial complex 1 deficiency, nuclear type 2. Identifiers: MedGen C4748737, MONDO:0032606, OMIM 618222.
Inborn genetic diseases. Identifiers: MedGen C0950123, MeSH D030342.
NDUFS8-related disorder. Also called: NDUFS8-related condition.
Leigh syndrome (NULS). Also called: Leigh Disease; Subacute necrotizing encephalopathy; Necrotizing encephalopathy infantile subacute of Leigh; Leigh's syndrome; LEIGH SYNDROME, NUCLEAR; Leigh Syndrome (mtDNA deletion). Identifiers: Orphanet 506, MedGen C2931891, MONDO:0009723, OMIM 256000.

Allele frequency attached by ClinVar (database versions not stated): 1000 Genomes Project 0.00060; 1000 Genomes Project 30x 0.00062; ExAC 0.00151; gnomAD exomes 0.00166 and 0.00278; gnomAD 0.00193 and 0.00205; TOPMed 0.00195; ESP Exome Variant Server 0.00239.
gnomAD v4.1: 4,333 of 1,612,352 alleles (0.27%); highest among the groups gnomAD compares: Non-Finnish European, 0.34%; 7 homozygotes.

Submissions (13):

CeGaT Center for Human Genetics Tuebingen
Classification: Likely benign. Last evaluated: 2026-09-01. Review status: criteria provided, single submitter. Criteria: CeGaT Center For Human Genetics Tuebingen Variant Classification Criteria Version 2. Collection method: clinical testing. Allele origin: germline. Affected: yes. Observed: 5 variant alleles.
Comment: NDUFS8: BS2

Labcorp Genetics (formerly Invitae), Labcorp
Classification: Likely benign. Last evaluated: 2026-01-15. Review status: criteria provided, single submitter. Criteria: Invitae Variant Classification Sherloc (09022015). Collection method: clinical testing. Allele origin: germline.

Mayo Clinic Laboratories, Mayo Clinic
Classification: Likely benign. Last evaluated: 2025-04-10. Review status: criteria provided, single submitter. Criteria: ACMG Guidelines, 2015. Collection method: clinical testing. Allele origin: germline. Observed: 6 variant alleles.
Comment: BS1, BS2

Blueprint Genetics
Classification: Likely benign. Last evaluated: 2024-11-27. Review status: criteria provided, single submitter. Criteria: ACMG Guidelines, 2015. Collection method: clinical testing. Allele origin: germline.

Baylor Genetics
Classification: Uncertain significance for Mitochondrial complex I deficiency, nuclear type 2. Last evaluated: 2023-11-14. Review status: criteria provided, single submitter. Criteria: ACMG Guidelines, 2015. Collection method: clinical testing. Allele origin: unknown.

Ambry Genetics
Classification: Likely benign for Inborn genetic diseases. Last evaluated: 2021-09-13. Review status: criteria provided, single submitter. Criteria: Ambry Variant Classification Scheme 2023. Collection method: clinical testing. Allele origin: germline.

GeneDx
Classification: Likely benign. Last evaluated: 2020-12-21. Review status: criteria provided, single submitter. Criteria: GeneDx Variant Classification Process June 2021. Collection method: clinical testing. Allele origin: germline. Affected: yes.
Comment: This variant is associated with the following publications: (PMID: 30094188, 20818383, 26764160)

Fulgent Genetics
Classification: Uncertain significance for Leigh syndrome. Last evaluated: 2018-10-31. Review status: criteria provided, single submitter. Criteria: ACMG Guidelines, 2015. Collection method: clinical testing. Allele origin: unknown.

Illumina Laboratory Services, Illumina
Classification: Uncertain significance for Mitochondrial complex I deficiency, nuclear type 1. Last evaluated: 2017-04-27. Review status: criteria provided, single submitter. Criteria: ICSL Variant Classification Criteria 13 December 2019. Collection method: clinical testing. Allele origin: germline.
Comment: This variant was observed as part of a predisposition screen in an ostensibly healthy population. A literature search was performed for the gene, cDNA change, and amino acid change (where applicable). Publications were found based on this search. However, the evidence from the literature, in combination with allele frequency data from public databases where available, was not sufficient to rule this variant in or out of causing disease. Therefore, this variant is classified as a variant of unknown significance.

Illumina Laboratory Services, Illumina
Classification: Uncertain significance for Leigh syndrome. Last evaluated: 2017-04-27. Review status: criteria provided, single submitter. Criteria: ICSL Variant Classification Criteria 13 December 2019. Collection method: clinical testing. Allele origin: germline.
Comment: the same text as in the submission from Illumina Laboratory Services, Illumina above.

Eurofins Ntd Llc (ga)
Classification: Uncertain significance. Last evaluated: 2016-04-08. Review status: criteria provided, single submitter. Criteria: EGL Classification Definitions 2015. Collection method: clinical testing. Allele origin: germline. Observed: 2 variant alleles, 2 heterozygotes.

PreventionGenetics, part of Exact Sciences
Classification: Likely benign for NDUFS8-related condition. Last evaluated: 2019-12-11. Review status: no assertion criteria provided. Collection method: clinical testing. Allele origin: germline. Not counted in ClinVar's aggregate classification.
Comment: This variant is classified as likely benign based on ACMG/AMP sequence variant interpretation guidelines (Richards et al. 2015 PMID: 25741868, with internal and published modifications).

Department of Pathology and Laboratory Medicine, Sinai Health System
Classification: Likely benign. Review status: no assertion criteria provided. Collection method: clinical testing. Allele origin: unknown. Affected: yes. Study: The Canadian Open Genetics Repository (COGR). Not counted in ClinVar's aggregate classification.
Comment: The NDUFS8 p.Arg2Cys variant was identified in the literature in a case with Malignant Hyperthermia Susceptibility however this patient had variants in the HMBS and CACNA1S genes that were suspected to be the cause of the phenotype (Sambuughin_2018_PMID:30094188). The variant was identified in dbSNP (ID: rs150278938) and ClinVar (classified as uncertain significance by EGL Genetic Diagnostics, Fulgent Genetics, and GeneDx, and as likely benign by Invitae). The variant was identified in control databases in 481 of 282694 chromosomes (2 homozygous) at a frequency of 0.001701 increasing the likelihood this could be a low frequency benign variant (Genome Aggregation Database March 6, 2019, v2.1.1). The variant was observed in the following populations: European (non-Finnish) in 394 of 129024 chromosomes (freq: 0.003054), Other in 9 of 7220 chromosomes (freq: 0.001247), African in 25 of 24970 chromosomes (freq: 0.001001), Latino in 25 of 35436 chromosomes (freq: 0.000706), European (Finnish) in 17 of 25118 chromosomes (freq: 0.000677), East Asian in 8 of 19952 chromosomes (freq: 0.000401) and South Asian in 3 of 30616 chromosomes (freq: 0.000098), but was not observed in the Ashkenazi Jewish population. The p.Arg2 residue is not conserved in mammals and computational analyses (PolyPhen-2, SIFT, AlignGVGD, BLOSUM, MutationTaster) do not suggest a high likelihood of impact to the protein; this information is not very predictive of pathogenicity. The variant occurs outside of the splicing consensus sequence and in silico or computational prediction software programs (SpliceSiteFinder, MaxEntScan, NNSPLICE, GeneSplicer) do not predict a difference in splicing. In summary, based on the above information the clinical significance of this variant cannot be determined with certainty at this time although we would lean towards a more benign role for this variant. This variant is classified as likely benign.

Literature cited by the submitters: PubMed 20818383 (cited by Mayo Clinic Laboratories, Mayo Clinic and Illumina Laboratory Services, Illumina).

NM_002496.4(NDUFS8):c.4C>T (p.Arg2Cys)

Gene: NDUFS8 (NADH:ubiquinone oxidoreductase core subunit S8; plus strand). Cytogenetic location: 11q13.2.
Variant type: single nucleotide variant.
Coding change: c.4C>T on transcript NM_002496.4 (MANE Select); coding-DNA position 4, C replaced by T.
Protein change: p.Arg2Cys; replaces arginine 2 with cysteine.
Molecular consequence: missense variant.
Genome position (GRCh38, 1-based): chr11:68,032,155, C>T. VCF-style: chr11-68032155-C-T. GRCh37 (hg19) VCF-style: chr11-67799622-C-T.
Other names: p.R2C:CGC>TGC; p.Arg2Cys; short protein forms R2C.
Identifiers: ClinVar variation 214836 (VCV000214836.54), dbSNP rs150278938, ClinGen allele CA324025.